The following is an entry in ClinVar:

NM_006096.4(NDRG1):c.802G>T (p.Ala268Ser)

Genes: NDRG1 (N-myc downstream regulated 1; minus strand), LOC126860531 (CDK7 strongly-dependent group 2 enhancer GRCh37_chr8:134259869-134261068; plus strand). Cytogenetic location: 8q24.22.
Variant type: single nucleotide variant.
Coding change: c.802G>T on transcript NM_006096.4 (MANE Select); coding-DNA position 802, G replaced by T.
Protein change: p.Ala268Ser; replaces alanine 268 with serine.
Molecular consequence: missense variant.
Genome position (GRCh38, 1-based): chr8:133,247,880, C>A on the plus strand (G>T on the coding strand, the complement: NDRG1 is on the minus strand). VCF-style: chr8-133247880-C-A. GRCh37 (hg19) VCF-style: chr8-134260123-C-A.
Other names: c.802G>T, p.Ala268Ser (NM_001135242.2, NM_001374845.1, NM_001374846.1); c.604G>T, p.Ala202Ser (NM_001258432.2, NM_001374847.1); c.559G>T, p.Ala187Ser (NM_001258433.2); c.853G>T, p.Ala285Ser (NM_001374844.1); short protein forms A187S, A202S, A268S, A285S.
Identifiers: ClinVar variation 935032 (VCV000935032.9), dbSNP rs752290896, ClinGen allele CA4886579.

ClinVar aggregate classification (germline): Uncertain significance. Review status: criteria provided, multiple submitters, no conflicts (2 of 4 stars). 3 submissions from 3 submitters: Uncertain significance (2). 1 of the submissions does not count toward it. Last evaluated 2022-08-31.

Conditions:
Inborn genetic diseases. Identifiers: MedGen C0950123, MeSH D030342.
Charcot-Marie-Tooth disease type 4. Also called: Charcot-Marie-Tooth disease, type IV; Charcot-Marie-Tooth, Type 4. Identifiers: Orphanet 64749, MedGen C4082197, MONDO:0018995.
Charcot-Marie-Tooth disease type 4D. Also called: Charcot-Marie-Tooth Neuropathy Type 4D; CHARCOT-MARIE-TOOTH DISEASE, DEMYELINATING, TYPE 4D; NEUROPATHY, HEREDITARY MOTOR AND SENSORY, LOM TYPE; CHARCOT-MARIE-TOOTH DISEASE, DEMYELINATING, AUTOSOMAL RECESSIVE, TYPE 4D. Identifiers: Orphanet 99950, MedGen C1832334, MONDO:0011085, OMIM 601455.

Allele frequency attached by ClinVar (database versions not stated): gnomAD exomes below 0.00001; TOPMed 0.00001.
gnomAD v4.1: 5 of 1,614,002 alleles (0.00031%); highest among the groups gnomAD compares: African/African-American, 0.0067%; no homozygotes.

Submissions (3):

Labcorp Genetics (formerly Invitae), Labcorp
Classification: Uncertain significance for Charcot-Marie-Tooth disease type 4. Last evaluated: 2022-08-31. Review status: criteria provided, single submitter. Criteria: Invitae Variant Classification Sherloc (09022015). Collection method: clinical testing. Allele origin: germline.
Comment: This sequence change replaces alanine, which is neutral and non-polar, with serine, which is neutral and polar, at codon 268 of the NDRG1 protein (p.Ala268Ser). This variant is present in population databases (rs752290896, gnomAD 0.02%). This variant has not been reported in the literature in individuals affected with NDRG1-related conditions. ClinVar contains an entry for this variant (Variation ID: 935032). Algorithms developed to predict the effect of missense changes on protein structure and function are either unavailable or do not agree on the potential impact of this missense change (SIFT: "Tolerated"; PolyPhen-2: "Possibly Damaging"; Align-GVGD: "Class C0"). In summary, the available evidence is currently insufficient to determine the role of this variant in disease. Therefore, it has been classified as a Variant of Uncertain Significance.

Ambry Genetics
Classification: Uncertain significance for Inborn genetic diseases. Last evaluated: 2021-07-14. Review status: criteria provided, single submitter. Criteria: Ambry Variant Classification Scheme 2023. Collection method: clinical testing. Allele origin: germline.
Comment: The p.A268S variant (also known as c.802G>T), located in coding exon 11 of the NDRG1 gene, results from a G to T substitution at nucleotide position 802. The alanine at codon 268 is replaced by serine, an amino acid with similar properties. This amino acid position is conserved. In addition, this alteration is predicted to be tolerated by in silico analysis. Since supporting evidence is limited at this time, the clinical significance of this alteration remains unclear.

Natera, Inc.
Classification: Uncertain significance for Charcot-Marie-Tooth disease type 4D. Last evaluated: 2020-12-14. Review status: no assertion criteria provided. Collection method: clinical testing. Allele origin: germline. Not counted in ClinVar's aggregate classification.